The following is an entry in ClinVar:

ClinVar aggregate classification (germline): Uncertain significance (1 of 4 stars; one submission).

Conditions:
Intellectual developmental disorder, X-linked 100. Also called: Intellectual disability, X-linked 100. Identifiers: MedGen C3890167, MONDO:0010488, OMIM 300923.

Submissions (2):

Baylor Genetics
Classification: Uncertain significance for Intellectual developmental disorder, X-linked 100. Last evaluated: 2019-11-26. Review status: criteria provided, single submitter. Criteria: ACMG Guidelines, 2015. Collection method: clinical testing. Allele origin: unknown. Affected: yes.
Comment: This variant was determined to be of uncertain significance according to ACMG Guidelines, 2015 [PMID:25741868].

Dr. Peter K. Rogan Lab, Western University
No classification provided (evidence only). Condition: Nonpapillary renal cell carcinoma. Review status: no classification provided. Collection method: in vitro. Allele origin: not applicable. Functional consequence: retained intron. Not counted in ClinVar's aggregate classification.

NM_012310.5(KIF4A):c.2734A>G (p.Ile912Val)

Gene: KIF4A (kinesin family member 4A; plus strand). Cytogenetic location: Xq13.1.
Variant type: single nucleotide variant.
Coding change: c.2734A>G on transcript NM_012310.5 (MANE Select); coding-DNA position 2734, A replaced by G.
Protein change: p.Ile912Val; replaces isoleucine 912 with valine.
Molecular consequence: missense variant.
Genome position (GRCh38, 1-based): chrX:70,403,978, A>G. VCF-style: chrX-70403978-A-G. GRCh37 (hg19) VCF-style: chrX-69623828-A-G.
Other names: NC_000023.10:g.69623828A>G; short protein forms I912V.
Identifiers: ClinVar variation 1030247 (VCV001030247.2), dbSNP rs768717763, ClinGen allele CA413472273.